The following is an entry in ClinVar:

NM_001267550.2(TTN):c.61456A>G (p.Ile20486Val)

Genes: TTN-AS1 (TTN antisense RNA 1; plus strand), TTN (titin; minus strand). Cytogenetic location: 2q31.2.
Variant type: single nucleotide variant.
Coding change: c.61456A>G on transcript NM_001267550.2 (MANE Select); coding-DNA position 61456, A replaced by G.
Protein change: p.Ile20486Val; replaces isoleucine 20486 with valine.
Molecular consequence: missense variant.
Genome position (GRCh38, 1-based): chr2:178,590,269, T>C on the plus strand (A>G on the coding strand, the complement: TTN is on the minus strand). VCF-style: chr2-178590269-T-C. GRCh37 (hg19) VCF-style: chr2-179454996-T-C.
Other names: p.I18845V:ATT>GTT; c.56533A>G, p.Ile18845Val (NM_001256850.1); c.34261A>G, p.Ile11421Val (NM_003319.4); c.53752A>G, p.Ile17918Val (NM_133378.4); c.34636A>G, p.Ile11546Val (NM_133432.3); c.34837A>G, p.Ile11613Val (NM_133437.4); short protein forms I18845V, I20486V, I11546V, I11421V, I17918V, I11613V.
Identifiers: ClinVar variation 202755 (VCV000202755.2), dbSNP rs794729469, ClinGen allele CA310185.

ClinVar aggregate classification (germline): Uncertain significance (1 of 4 stars; one submission).

Submission:

GeneDx
Classification: Uncertain significance. Last evaluated: 2014-11-18. Review status: criteria provided, single submitter. Criteria: GeneDx Variant Classification (06012015). Collection method: clinical testing. Allele origin: germline. Affected: yes.
Comment: Missense variants in the TTN gene are considered 'unclassified' if they are not previously reported in the literature and do not have >1% frequency in the population to be considered a polymorphism. Research indicates that truncating mutations in the TTN gene are expected to account for approximately 25% of familial and 18% of sporadic idiopathic DCM; however, truncating variants in the TTN gene have been reported in approximately 3% of reported control alleles. There has been little investigation into non-truncating variants. (Herman D et al. Truncations of titin causing dilated cardiomyopathy. N Eng J Med 366:619-628, 2012) The variant is found in CARDIOMYOPATHY panel(s).